The following is an entry in ClinVar:

ClinVar aggregate classification (germline): Pathogenic/Likely pathogenic. Review status: criteria provided, multiple submitters, no conflicts (2 of 4 stars). 2 submissions from 2 submitters: Pathogenic (1); Likely pathogenic (1). Last evaluated 2025-03-07.

Conditions:
Hyper-IgE recurrent infection syndrome 1, autosomal dominant. Also called: STAT3 Hyper IgE Syndrome; HYPER-IgE SYNDROME 1, AUTOSOMAL DOMINANT, WITH RECURRENT INFECTIONS; Job's Syndrome; Hyper-IgE recurrent infection syndrome 1; JOB SYNDROME. Identifiers: Orphanet 2314, MedGen C2936739, MONDO:0007818, OMIM 147060.
STAT3 gain of function. Identifiers: MedGen C4288261.

Submissions (2):

Labcorp Genetics (formerly Invitae), Labcorp
Classification: Pathogenic for STAT3 gain of function; Hyper-IgE recurrent infection syndrome 1, autosomal dominant. Last evaluated: 2025-03-07. Review status: criteria provided, single submitter. Criteria: Invitae Variant Classification Sherloc (09022015). Collection method: clinical testing. Allele origin: germline.
Comment: This sequence change replaces phenylalanine, which is neutral and non-polar, with leucine, which is neutral and non-polar, at codon 621 of the STAT3 protein (p.Phe621Leu). This variant is not present in population databases (gnomAD no frequency). This missense change has been observed in individual(s) with hyper-IgE syndrome (PMID: 20093388, 23830147, 32944025). In at least one individual the variant was observed to be de novo. ClinVar contains an entry for this variant (Variation ID: 432937). Invitae Evidence Modeling of protein sequence and biophysical properties (such as structural, functional, and spatial information, amino acid conservation, physicochemical variation, residue mobility, and thermodynamic stability) indicates that this missense variant is expected to disrupt STAT3 protein function with a positive predictive value of 80%. For these reasons, this variant has been classified as Pathogenic.

GeneDx
Classification: Likely pathogenic. Last evaluated: 2017-06-16. Review status: criteria provided, single submitter. Criteria: GeneDx Variant Classification (06012015). Collection method: clinical testing. Allele origin: germline. Affected: yes.
Comment: The F621L variant has not been published as a pathogenic variant, nor has it been reported as a benign variant to our knowledge. The variant is not observed in large population cohorts (Lek et al., 2016; 1000 Genomes Consortium et al., 2015; Exome Variant Server). F621L is a conservative amino acid substitution, which is not likely to impact secondary protein structure as these residues share similar properties. However, this substitution occurs at a position that is conserved across species, and in silico analysis predicts this variant is probably damaging to the protein structure/function. Missense variants in the same residue (F621V/S) and in nearby residues (G617E/V, G618D, T620A/S, T622I, W623L) have been reported in the Human Gene Mutation Database in association with hyper-IgE syndrome (Stenson et al., 2014), supporting the functional importance of this region of the protein. In summary, this variant is likely pathogenic; however, the possibility that it is benign cannot be excluded.

Literature cited by the submitters: PubMed 20093388 (cited by Labcorp Genetics (formerly Invitae), Labcorp); PubMed 23830147 (cited by Labcorp Genetics (formerly Invitae), Labcorp); PubMed 32944025 (cited by Labcorp Genetics (formerly Invitae), Labcorp).

NM_139276.3(STAT3):c.1863C>A (p.Phe621Leu)

Gene: STAT3 (signal transducer and activator of transcription 3; minus strand). Cytogenetic location: 17q21.2.
Variant type: single nucleotide variant.
Coding change: c.1863C>A on transcript NM_139276.3 (MANE Select); coding-DNA position 1863, C replaced by A.
Protein change: p.Phe621Leu; replaces phenylalanine 621 with leucine.
Molecular consequence: missense variant.
Genome position (GRCh38, 1-based): chr17:42,323,029, G>T on the plus strand (C>A on the coding strand, the complement: STAT3 is on the minus strand). VCF-style: chr17-42323029-G-T. GRCh37 (hg19) VCF-style: chr17-40475047-G-T.
Other names: c.1863C>A, p.Phe621Leu (NM_001369512.1, NM_001369513.1, NM_001369514.1 and 9 more transcripts); c.1779C>A, p.Phe593Leu (NM_001384984.1); c.1785C>A, p.Phe595Leu (NM_001384985.1); c.1878C>A, p.Phe626Leu (NM_001384986.1, NM_001384990.1); c.1842C>A, p.Phe614Leu (NM_001384987.1); c.1767C>A, p.Phe589Leu (NM_001384989.1); c.1836C>A, p.Phe612Leu (NM_001384991.1); c.1803C>A, p.Phe601Leu (NM_001384992.1); short protein forms F621L, F589L, F593L, F595L, F601L, F612L, F614L, F626L.
Identifiers: ClinVar variation 432937 (VCV000432937.3), dbSNP rs1555563854, ClinGen allele CA399582775.